The following is an entry in ClinVar:

ClinVar aggregate classification (germline): Conflicting classifications of pathogenicity. Review status: criteria provided, conflicting classifications (1 of 4 stars). 4 submissions from 4 submitters: Uncertain significance (1); Likely benign (3). Last evaluated 2023-12-01.

Conditions:
Arrhythmogenic right ventricular cardiomyopathy (ARVD). Also called: Arrhythmogenic cardiomyopathy; Cardiomyopathy, ARVC; Arrhythmogenic right ventricular dysplasia; Arrhythmogenic Right Ventricular Cardiomyopathy (ARVC). Identifiers: Orphanet 247, MedGen C0349788, MeSH D019571, MONDO:0016587. Disease mechanism: loss of function. Inheritance: Various modes of inheritance.
Cardiomyopathy (CMYO). Also called: Cardiomyopathies. Identifiers: Orphanet 167848, MedGen C0878544, MONDO:0004994, HP:0001638. Inheritance: Various modes of inheritance.
Arrhythmogenic right ventricular dysplasia 9 (ARVD9). Also called: Arrhythmogenic Right Ventricular Dysplasia/Cardiomyopathy 9; ARRHYTHMOGENIC RIGHT VENTRICULAR DYSPLASIA, FAMILIAL, 9. Identifiers: MedGen C1836906, MONDO:0012180, OMIM 609040.

Allele frequency attached by ClinVar (database versions not stated): TOPMed 0.00002; gnomAD exomes 0.00004; ExAC 0.00007.
gnomAD v4.1: 22 of 1,614,056 alleles (0.0014%); highest among the groups gnomAD compares: East Asian, 0.049%; 1 homozygote.

Submissions (4):

Labcorp Genetics (formerly Invitae), Labcorp
Classification: Uncertain significance for Arrhythmogenic right ventricular dysplasia 9. Last evaluated: 2023-12-01. Review status: criteria provided, single submitter. Criteria: Invitae Variant Classification Sherloc (09022015). Collection method: clinical testing. Allele origin: germline.
Comment: This sequence change replaces valine, which is neutral and non-polar, with alanine, which is neutral and non-polar, at codon 674 of the PKP2 protein (p.Val674Ala). This variant is present in population databases (rs751965920, gnomAD 0.05%). This variant has not been reported in the literature in individuals affected with PKP2-related conditions. ClinVar contains an entry for this variant (Variation ID: 923675). An algorithm developed to predict the effect of missense changes on protein structure and function (PolyPhen-2) suggests that this variant is likely to be disruptive. In summary, the available evidence is currently insufficient to determine the role of this variant in disease. Therefore, it has been classified as a Variant of Uncertain Significance.

All of Us Research Program, National Institutes of Health
Classification: Likely benign for Arrhythmogenic right ventricular cardiomyopathy. Last evaluated: 2023-10-02. Review status: criteria provided, single submitter. Criteria: ACMG Guidelines, 2015. Collection method: clinical testing. Allele origin: germline. Inheritance: Autosomal dominant inheritance. Observed: 1 variant allele, 1 heterozygote.
Comment: This study involves interpretation of variants in research participants for the purpose of population health screening. Participant phenotype was not available at the time of variant classification. Additional details can be found in publication PMID: 35346344, PMCID: PMC8962531

Color Diagnostics, LLC DBA Color Health
Classification: Likely benign for Cardiomyopathy. Last evaluated: 2021-12-20. Review status: criteria provided, single submitter. Criteria: ACMG Guidelines, 2015. Collection method: clinical testing. Allele origin: germline.

CHEO Genetics Diagnostic Laboratory, Children's Hospital of Eastern Ontario
Classification: Likely benign for Cardiomyopathy. Last evaluated: 2020-07-23. Review status: criteria provided, single submitter. Criteria: ACMG Guidelines, 2015. Collection method: clinical testing. Allele origin: germline.

NM_001005242.3(PKP2):c.1889T>C (p.Val630Ala)

Gene: PKP2 (plakophilin 2; minus strand). Cytogenetic location: 12p11.21.
Variant type: single nucleotide variant.
Coding change: c.1889T>C on transcript NM_001005242.3 (MANE Select); coding-DNA position 1889, T replaced by C.
Protein change: p.Val630Ala; replaces valine 630 with alanine.
Molecular consequence: missense variant.
Genome position (GRCh38, 1-based): chr12:32,821,480, A>G on the plus strand (T>C on the coding strand, the complement: PKP2 is on the minus strand). VCF-style: chr12-32821480-A-G. GRCh37 (hg19) VCF-style: chr12-32974414-A-G.
Other names: c.2021T>C, p.Val674Ala (NM_004572.4); short protein forms V630A, V674A.
Identifiers: ClinVar variation 923675 (VCV000923675.19), dbSNP rs751965920, ClinGen allele CA032282.